The following is an entry in ClinVar:

NG_008272.1:g.(37212_43567)_(48616_58573)del

Gene: SLC17A5 (solute carrier family 17 member 5; minus strand).
Variant type: Deletion.
Other names: NG_008272.1:c.(978+1_979-1)_(1259+1_1260-1)del.
Identifiers: ClinVar variation 1285238 (VCV001285238.2).

ClinVar aggregate classification (germline): Pathogenic (0 of 4 stars; one submission).

Conditions:
Sialic acid storage disease, severe infantile type (ISSD). Also called: INFANTILE SIALIC ACID STORAGE DISORDER; Infantile Sialic Acid Storage Disease; N-ACETYLNEURAMINIC ACID STORAGE DISEASE; NANA STORAGE DISEASE; SIALURIA, INFANTILE FORM; Free sialic acid storage disease, infantile form. Identifiers: Orphanet 309324, Orphanet 834, MedGen C1096902, MONDO:0010027, OMIM 269920.

Submission:

Genomics Services, Diagnostic Services, Shared Health Manitoba
Classification: Pathogenic for Sialic acid storage disease, severe infantile type. Last evaluated: 2021-09-14. Review status: no assertion criteria provided. Collection method: clinical testing. Allele origin: inherited. Inheritance: Autosomal recessive inheritance. Affected: yes. Observed: 1 homozygote.
Comment: This change is predicted delete at least exons 8-9 of the SLC17A5 gene. Loss-of-function is a known mechanism of disease for SLC17A5 and this deletion is predicted to result in a frameshift in the protein (p.Asn327Valfs*25) resulting in a premature stop codon leading to a truncated protein product or an absent protein due to nonsense mediated decay. This variant is absent from population specific databases (gnomAD) and has not been previously reported in the medical literature, ClinVar or LOVD disease specific databases.